The following is an entry in ClinVar:

ClinVar aggregate classification (germline): Likely benign. Review status: criteria provided, multiple submitters, no conflicts (2 of 4 stars). 4 submissions from 2 submitters: Likely benign (4). Last evaluated 2026-01-20.

Conditions:
Glucocorticoid-remediable aldosteronism. Also called: Hyperaldosteronism, familial, type I; ACTH-DEPENDENT HYPERALDOSTERONISM SYNDROME; ALDOSTERONISM, SENSITIVE TO DEXAMETHASONE; FH I; GLUCOCORTICOID-SUPPRESSIBLE HYPERALDOSTERONISM. Identifiers: Orphanet 403, MedGen C3838731, MONDO:0007080, OMIM 103900.
Corticosterone methyloxidase type 2 deficiency. Also called: 18-OXIDASE DEFICIENCY; ALDOSTERONE DEFICIENCY DUE TO DEFICIENCY OF STEROID 18-OXIDASE; ALDOSTERONE DEFICIENCY II; CMO II DEFICIENCY; STEROID 18-OXIDASE DEFICIENCY. Identifiers: Orphanet 427, MedGen C3463917, MONDO:0012524, OMIM 610600. Disease mechanism: loss of function.
Corticosterone 18-monooxygenase deficiency. Also called: ALDOSTERONE DEFICIENCY DUE TO DEFECT IN STEROID 18-HYDROXYLASE; ALDOSTERONE DEFICIENCY I; CMO I DEFICIENCY; STEROID 18-HYDROXYLASE DEFICIENCY; 18 Hydroxylase deficiency; Aldosterone deficiency due to defect in 18 hydroxylase. Identifiers: Orphanet 427, MedGen C0268293, MONDO:0008751, OMIM 203400. Disease mechanism: loss of function.

Allele frequency attached by ClinVar (database versions not stated): ESP Exome Variant Server 0.00008; gnomAD 0.00027 and 0.00029; TOPMed 0.00037; ExAC 0.00041; gnomAD exomes 0.00044; 1000 Genomes Project 30x 0.00078; 1000 Genomes Project 0.00080.
gnomAD v4.1: 335 of 1,614,008 alleles (0.021%); highest among the groups gnomAD compares: Admixed American, 0.15%; 2 homozygotes.

Submissions (4):

Labcorp Genetics (formerly Invitae), Labcorp
Classification: Likely benign. Last evaluated: 2026-01-20. Review status: criteria provided, single submitter. Criteria: Invitae Variant Classification Sherloc (09022015). Collection method: clinical testing. Allele origin: germline.

Illumina Laboratory Services, Illumina
Classification: Likely benign for Corticosterone methyloxidase type 2 deficiency. Last evaluated: 2017-04-27. Review status: criteria provided, single submitter. Criteria: ICSL Variant Classification Criteria 13 December 2019. Collection method: clinical testing. Allele origin: germline.
Comment: This variant was observed as part of a predisposition screen in an ostensibly healthy population. A literature search was performed for the gene, cDNA change, and amino acid change (where applicable). No publications were found based on this search. Allele frequency data from public databases allowed determination this variant is unlikely to cause disease. Therefore, this variant is classified as likely benign.

Illumina Laboratory Services, Illumina
Classification: Likely benign for Hyperaldosteronism, familial, type I. Last evaluated: 2017-04-27. Review status: criteria provided, single submitter. Criteria: ICSL Variant Classification Criteria 13 December 2019. Collection method: clinical testing. Allele origin: germline.
Comment: the same text as in the submission from Illumina Laboratory Services, Illumina above.

Illumina Laboratory Services, Illumina
Classification: Likely benign for Corticosterone 18-monooxygenase deficiency. Last evaluated: 2017-04-27. Review status: criteria provided, single submitter. Criteria: ICSL Variant Classification Criteria 13 December 2019. Collection method: clinical testing. Allele origin: germline.
Comment: the same text as in the submission from Illumina Laboratory Services, Illumina above.

NM_000498.3(CYP11B2):c.959C>T (p.Ala320Val)

Genes: CYP11B2 (cytochrome P450 family 11 subfamily B member 2; minus strand), LOC106799834 (CYP11B2 recombination region; plus strand). Cytogenetic location: 8q24.3.
Variant type: single nucleotide variant.
Coding change: c.959C>T on transcript NM_000498.3 (MANE Select); coding-DNA position 959, C replaced by T.
Protein change: p.Ala320Val; replaces alanine 320 with valine.
Molecular consequence: missense variant.
Genome position (GRCh38, 1-based): chr8:142,913,447, G>A on the plus strand (C>T on the coding strand, the complement: CYP11B2 is on the minus strand). VCF-style: chr8-142913447-G-A. GRCh37 (hg19) VCF-style: chr8-143994863-G-A.
Other names: short protein forms A320V.
Identifiers: ClinVar variation 362204 (VCV000362204.12), dbSNP rs201830462, ClinGen allele CA4905990.
Genomic context (GRCh38, chr8:142,913,447, plus strand): 5'-AGGATCTGCTGCACGTCGGGGTTCCGAGCCAGCTCAAAGAGCGTCATCAGCAAGGGAAAC[G>A]CTGTCTACAGAAGCCATGTCTGCAGGGTCAGACCTTGCACAGGAGGACTCAGCCCCCGGG-3'
Protein context (NP_000489.3, residues 310-330): ELTAGSVDTT[Ala320Val]FPLLMTLFEL